The following is an entry in ClinVar:

NM_004380.3(CREBBP):c.966del (p.Pro323fs)

Gene: CREBBP (CREB binding lysine acetyltransferase; minus strand). Cytogenetic location: 16p13.3.
Variant type: Deletion.
Coding change: c.966del on transcript NM_004380.3 (MANE Select); coding-DNA position 966, one base deleted (G; older notation c.966delG).
Protein change: p.Pro323fs; shifts the reading frame from proline 323.
Molecular consequence: frameshift variant.
Genome position (GRCh38, 1-based): chr16:3,810,612, C deleted on the plus strand (G on the coding strand, the reverse complement: CREBBP is on the minus strand). VCF-style (leftmost placement, unchanged base first): chr16-3810611-GC-G. GRCh37 (hg19) VCF-style: chr16-3860612-GC-G.
Other names: c.966del, p.Pro323fs (NM_001079846.1); short protein forms P323fs.
Identifiers: ClinVar variation 4734544 (VCV004734544.1).

ClinVar aggregate classification (germline): Pathogenic (1 of 4 stars; one submission).

Conditions:
Rubinstein-Taybi syndrome (RSTS). Identifiers: Orphanet 783, MedGen C0035934, MONDO:0019188.

Submission:

Labcorp Genetics (formerly Invitae), Labcorp
Classification: Pathogenic for Rubinstein-Taybi syndrome. Last evaluated: 2025-12-31. Review status: criteria provided, single submitter. Criteria: Invitae Variant Classification Sherloc (09022015). Collection method: clinical testing. Allele origin: germline.
Comment: This sequence change creates a premature translational stop signal (p.Pro323Glnfs*31) in the CREBBP gene. It is expected to result in an absent or disrupted protein product. Loss-of-function variants in CREBBP are known to be pathogenic (PMID: 17052327, 18792986). This variant is not present in population databases (gnomAD no frequency). This variant has not been reported in the literature in individuals affected with CREBBP-related conditions. For these reasons, this variant has been classified as Pathogenic.

Literature cited by the submitters: PubMed 17052327; PubMed 18792986.